The following is an entry in ClinVar:

ClinVar aggregate classification (germline): Uncertain significance (1 of 4 stars; one submission).

Conditions:
Developmental and epileptic encephalopathy, 12 (DEE12). Identifiers: MedGen C3150988, MONDO:0013389, OMIM 613722.

Submission:

Labcorp Genetics (formerly Invitae), Labcorp
Classification: Uncertain significance for Developmental and epileptic encephalopathy, 12. Last evaluated: 2024-05-15. Review status: criteria provided, single submitter. Criteria: Invitae Variant Classification Sherloc (09022015). Collection method: clinical testing. Allele origin: germline.
Comment: This sequence change replaces alanine, which is neutral and non-polar, with threonine, which is neutral and polar, at codon 1116 of the PLCB1 protein (p.Ala1116Thr). This variant is not present in population databases (gnomAD no frequency). This variant has not been reported in the literature in individuals affected with PLCB1-related conditions. ClinVar contains an entry for this variant (Variation ID: 1008622). Advanced modeling of protein sequence and biophysical properties (such as structural, functional, and spatial information, amino acid conservation, physicochemical variation, residue mobility, and thermodynamic stability) performed at Invitae indicates that this missense variant is not expected to disrupt PLCB1 protein function with a negative predictive value of 80%. In summary, the available evidence is currently insufficient to determine the role of this variant in disease. Therefore, it has been classified as a Variant of Uncertain Significance.

NM_015192.4(PLCB1):c.3346G>A (p.Ala1116Thr)

Gene: PLCB1 (phospholipase C beta 1; plus strand). Cytogenetic location: 20p12.3.
Variant type: single nucleotide variant.
Coding change: c.3346G>A on transcript NM_015192.4 (MANE Select); coding-DNA position 3346, G replaced by A.
Protein change: p.Ala1116Thr; replaces alanine 1116 with threonine.
Molecular consequence: missense variant.
Genome position (GRCh38, 1-based): chr20:8,790,184, G>A. VCF-style: chr20-8790184-G-A. GRCh37 (hg19) VCF-style: chr20-8770831-G-A.
Other names: c.3346G>A, p.Ala1116Thr (NM_182734.3); short protein forms A1116T.
Identifiers: ClinVar variation 1008622 (VCV001008622.9), dbSNP rs1983683787, ClinGen allele CA408210025.